The following is an entry in ClinVar:

ClinVar aggregate classification (germline): Uncertain significance. Review status: criteria provided, multiple submitters, no conflicts (2 of 4 stars). 2 submissions from 2 submitters: Uncertain significance (2). Last evaluated 2026-07-17.

Conditions:
Hereditary cancer-predisposing syndrome. Also called: Hereditary neoplastic syndrome; Neoplastic Syndromes, Hereditary; Tumor predisposition; Hereditary Cancer Syndrome. Identifiers: Orphanet 140162, MedGen C0027672, MeSH D009386, MONDO:0015356.
Neuroblastoma, susceptibility to, 3. Also called: ALK-Related Neuroblastic Tumor Susceptibility. Identifiers: Orphanet 635, MedGen C2751681, MONDO:0013083, OMIM 613014.

Submissions (2):

Ambry Genetics
Classification: Uncertain significance for Hereditary cancer-predisposing syndrome. Last evaluated: 2026-07-17. Review status: criteria provided, single submitter. Criteria: Ambry Variant Classification Scheme 2023. Collection method: clinical testing. Allele origin: germline.
Comment: The c.2871C>T variant (also known as p.S957S), located in coding exon 17 of the ALK gene, results from a C to T substitution at nucleotide position 2871. This nucleotide substitution does not change the amino acid at codon 957. This nucleotide position is not well conserved in available vertebrate species. In silico splice site analysis predicts that this alteration may weaken the native splice donor site. Based on the available evidence, the clinical significance of this variant remains unclear.

Labcorp Genetics (formerly Invitae), Labcorp
Classification: Uncertain significance for Neuroblastoma, susceptibility to, 3. Last evaluated: 2025-01-11. Review status: criteria provided, single submitter. Criteria: Invitae Variant Classification Sherloc (09022015). Collection method: clinical testing. Allele origin: germline.
Comment: This sequence change affects codon 957 of the ALK mRNA. It is a 'silent' change, meaning that it does not change the encoded amino acid sequence of the ALK protein. This variant is not present in population databases (gnomAD no frequency). This variant has not been reported in the literature in individuals affected with ALK-related conditions. Algorithms developed to predict the effect of sequence changes on RNA splicing suggest that this variant may disrupt the consensus splice site. In summary, the available evidence is currently insufficient to determine the role of this variant in disease. Therefore, it has been classified as a Variant of Uncertain Significance.

NM_004304.5(ALK):c.2871C>T (p.Ser957=)

Gene: ALK (ALK receptor tyrosine kinase; minus strand). Cytogenetic location: 2p23.2.
Variant type: single nucleotide variant.
Coding change: c.2871C>T on transcript NM_004304.5 (MANE Select); coding-DNA position 2871, C replaced by T.
Protein change: p.Ser957=; no amino-acid change (serine 957 retained).
Molecular consequence: synonymous variant.
Genome position (GRCh38, 1-based): chr2:29,227,617, G>A on the plus strand (C>T on the coding strand, the complement: ALK is on the minus strand). VCF-style: chr2-29227617-G-A. GRCh37 (hg19) VCF-style: chr2-29450483-G-A.
Other names: c.2871C>T (NM_004304.4).
Identifiers: ClinVar variation 3626126 (VCV003626126.3).